The following is an entry in ClinVar:

ClinVar aggregate classification (germline): Uncertain significance. Review status: criteria provided, single submitter (1 of 4 stars). 2 submissions from 2 submitters: Uncertain significance (1). 1 of the submissions does not count toward it. Last evaluated 2022-11-29.

Conditions:
Usher syndrome type 2A. Also called: RETINAL DISEASE IN USHER SYNDROME TYPE IIA, MODIFIER OF; USHER SYNDROME, TYPE IIA. Identifiers: Orphanet 231178, Orphanet 886, MedGen C1848634, MONDO:0010169, OMIM 276901.

Allele frequency attached by ClinVar (database versions not stated): ExAC 0.00001.

Submissions (2):

Labcorp Genetics (formerly Invitae), Labcorp
Classification: Uncertain significance. Last evaluated: 2022-11-29. Review status: criteria provided, single submitter. Criteria: Invitae Variant Classification Sherloc (09022015). Collection method: clinical testing. Allele origin: germline.
Comment: In summary, the available evidence is currently insufficient to determine the role of this variant in disease. Therefore, it has been classified as a Variant of Uncertain Significance. Advanced modeling of protein sequence and biophysical properties (such as structural, functional, and spatial information, amino acid conservation, physicochemical variation, residue mobility, and thermodynamic stability) performed at Invitae indicates that this missense variant is expected to disrupt USH2A protein function. ClinVar contains an entry for this variant (Variation ID: 1014404). This missense change has been observed in individual(s) with clinical features of USH2A-related conditions (Invitae). This variant is not present in population databases (gnomAD no frequency). This sequence change replaces cysteine, which is neutral and slightly polar, with arginine, which is basic and polar, at codon 953 of the USH2A protein (p.Cys953Arg).

Natera, Inc.
Classification: Uncertain significance for Usher syndrome type 2A. Last evaluated: 2020-02-26. Review status: no assertion criteria provided. Collection method: clinical testing. Allele origin: germline. Not counted in ClinVar's aggregate classification.

NM_206933.4(USH2A):c.2857T>C (p.Cys953Arg)

Genes: USH2A (usherin; minus strand), USH2A-AS1 (USH2A antisense RNA 1; plus strand). Cytogenetic location: 1q41.
Variant type: single nucleotide variant.
Coding change: c.2857T>C on transcript NM_206933.4 (MANE Select); coding-DNA position 2857, T replaced by C.
Protein change: p.Cys953Arg; replaces cysteine 953 with arginine.
Molecular consequence: missense variant.
Genome position (GRCh38, 1-based): chr1:216,232,089, A>G on the plus strand (T>C on the coding strand, the complement: USH2A is on the minus strand). VCF-style: chr1-216232089-A-G. GRCh37 (hg19) VCF-style: chr1-216405431-A-G.
Other names: c.2857T>C, p.Cys953Arg (NM_007123.6); short protein forms C953R.
Identifiers: ClinVar variation 1014404 (VCV001014404.9), dbSNP rs762059922, ClinGen allele CA1396138.